The following is an entry in ClinVar:

NM_001868.4(CPA1):c.55G>T (p.Asp19Tyr)

Gene: CPA1 (carboxypeptidase A1; plus strand). Cytogenetic location: 7q32.2.
Variant type: single nucleotide variant.
Coding change: c.55G>T on transcript NM_001868.4 (MANE Select); coding-DNA position 55, G replaced by T.
Protein change: p.Asp19Tyr; replaces aspartic acid 19 with tyrosine.
Molecular consequence: missense variant.
Genome position (GRCh38, 1-based): chr7:130,380,575, G>T. VCF-style: chr7-130380575-G-T. GRCh37 (hg19) VCF-style: chr7-130020416-G-T.
Other names: c.55G>T (NM_001868.2); short protein forms D19Y.
Identifiers: ClinVar variation 1483086 (VCV001483086.9), dbSNP rs781953020, ClinGen allele CA4484655.

ClinVar aggregate classification (germline): Uncertain significance. Review status: criteria provided, multiple submitters, no conflicts (2 of 4 stars). 2 submissions from 2 submitters: Uncertain significance (2). Last evaluated 2025-11-11.

Conditions:
Hereditary pancreatitis (PCTT). Also called: PRSS1-Related Hereditary Pancreatitis; Hereditary chronic pancreatitis. Identifiers: Orphanet 676, MedGen C0238339, MONDO:0008185, OMIM 167800.

Allele frequency attached by ClinVar (database versions not stated): ExAC 0.00001; gnomAD exomes 0.00001.
gnomAD v4.1: 1 of 1,314,382 alleles (0.000076%); highest among the groups gnomAD compares: Non-Finnish European, 0.000098%; no homozygotes.

Submissions (2):

Ambry Genetics
Classification: Uncertain significance for Hereditary pancreatitis. Last evaluated: 2025-11-11. Review status: criteria provided, single submitter. Criteria: Ambry Variant Classification Scheme 2023. Collection method: clinical testing. Allele origin: germline.
Comment: The p.D19Y variant (also known as c.55G>T), located in coding exon 1 of the CPA1 gene, results from a G to T substitution at nucleotide position 55. The aspartic acid at codon 19 is replaced by tyrosine, an amino acid with highly dissimilar properties. This amino acid position is conserved. In addition, this alteration is predicted to be tolerated by in silico analysis. Based on the available evidence, the clinical significance of this variant remains unclear.

Labcorp Genetics (formerly Invitae), Labcorp
Classification: Uncertain significance. Last evaluated: 2021-02-05. Review status: criteria provided, single submitter. Criteria: Invitae Variant Classification Sherloc (09022015). Collection method: clinical testing. Allele origin: germline.
Comment: In summary, the available evidence is currently insufficient to determine the role of this variant in disease. Therefore, it has been classified as a Variant of Uncertain Significance. Algorithms developed to predict the effect of missense changes on protein structure and function are either unavailable or do not agree on the potential impact of this missense change (SIFT: "Deleterious"; PolyPhen-2: "Possibly Damaging"; Align-GVGD: "Class C15"). This variant has not been reported in the literature in individuals with CPA1-related conditions. This variant is present in population databases (rs781953020, ExAC 0.002%). This sequence change replaces aspartic acid with tyrosine at codon 19 of the CPA1 protein (p.Asp19Tyr). The aspartic acid residue is weakly conserved and there is a large physicochemical difference between aspartic acid and tyrosine.